The following is an entry in ClinVar:

ClinVar aggregate classification (germline): Uncertain significance (1 of 4 stars; one submission).

Conditions:
Norman-Roberts syndrome (LIS2). Also called: Lissencephaly 2 (Norman-Roberts type). Identifiers: Orphanet 89844, MedGen C0796089, MONDO:0009760, OMIM 257320.
Familial temporal lobe epilepsy 7. Identifiers: Orphanet 101046, MedGen C4225327, MONDO:0014639, OMIM 616436.

gnomAD v4.1: 4 of 1,613,906 alleles (0.00025%); highest among the groups gnomAD compares: South Asian, 0.0011%; no homozygotes.

Submission:

Labcorp Genetics (formerly Invitae), Labcorp
Classification: Uncertain significance for Familial temporal lobe epilepsy 7; Norman-Roberts syndrome. Last evaluated: 2024-03-14. Review status: criteria provided, single submitter. Criteria: Invitae Variant Classification Sherloc (09022015). Collection method: clinical testing. Allele origin: germline.
Comment: This sequence change replaces arginine, which is basic and polar, with histidine, which is basic and polar, at codon 2457 of the RELN protein (p.Arg2457His). This variant is present in population databases (no rsID available, gnomAD 0.003%). This variant has not been reported in the literature in individuals affected with RELN-related conditions. ClinVar contains an entry for this variant (Variation ID: 1055061). Advanced modeling of protein sequence and biophysical properties (such as structural, functional, and spatial information, amino acid conservation, physicochemical variation, residue mobility, and thermodynamic stability) performed at Invitae indicates that this missense variant is not expected to disrupt RELN protein function with a negative predictive value of 80%. In summary, the available evidence is currently insufficient to determine the role of this variant in disease. Therefore, it has been classified as a Variant of Uncertain Significance.

NM_005045.4(RELN):c.7370G>A (p.Arg2457His)

Gene: RELN (reelin; minus strand). Cytogenetic location: 7q22.1.
Variant type: single nucleotide variant.
Coding change: c.7370G>A on transcript NM_005045.4 (MANE Select); coding-DNA position 7370, G replaced by A.
Protein change: p.Arg2457His; replaces arginine 2457 with histidine.
Molecular consequence: missense variant.
Genome position (GRCh38, 1-based): chr7:103,523,511, C>T on the plus strand (G>A on the coding strand, the complement: RELN is on the minus strand). VCF-style: chr7-103523511-C-T. GRCh37 (hg19) VCF-style: chr7-103163958-C-T.
Other names: c.7370G>A, p.Arg2457His (NM_173054.3); short protein forms R2457H.
Identifiers: ClinVar variation 1055061 (VCV001055061.7), dbSNP rs371157614, ClinGen allele CA368767972.